The following is an entry in ClinVar:

ClinVar aggregate classification (germline): Uncertain significance (1 of 4 stars; one submission).

Conditions:
Benign neonatal seizures. Also called: Benign neonatal familial convulsions; Benign familial neonatal epilepsy; Convulsions benign familial neonatal dominant form; Autosomal dominant form of benign neonatal seizures; Benign familial neonatal seizures. Identifiers: Orphanet 1949, MedGen C0220669, MONDO:0016027.

Allele frequency attached by ClinVar (database versions not stated): gnomAD exomes 0.00001.
gnomAD v4.1: 1 of 1,134,838 alleles (0.000088%); highest among the groups gnomAD compares: Non-Finnish European, 0.00011%; no homozygotes.

Submission:

Labcorp Genetics (formerly Invitae), Labcorp
Classification: Uncertain significance for Benign neonatal seizures. Last evaluated: 2019-02-02. Review status: criteria provided, single submitter. Criteria: Invitae Variant Classification Sherloc (09022015). Collection method: clinical testing. Allele origin: germline.
Comment: In summary, the available evidence is currently insufficient to determine the role of this variant in disease. Therefore, it has been classified as a Variant of Uncertain Significance. Algorithms developed to predict the effect of missense changes on protein structure and function are either unavailable or do not agree on the potential impact of this missense change (SIFT: "Tolerated"; PolyPhen-2: "Possibly Damaging"; Align-GVGD: "Class C0"). This variant has not been reported in the literature in individuals with KCNQ3-related conditions. The frequency data for this variant in the population databases is considered unreliable, as metrics indicate insufficient coverage at this position in the ExAC database. This sequence change replaces alanine with valine at codon 11 of the KCNQ3 protein (p.Ala11Val). The alanine residue is weakly conserved and there is a small physicochemical difference between alanine and valine.

NM_004519.4(KCNQ3):c.32C>T (p.Ala11Val)

Gene: KCNQ3 (potassium voltage-gated channel subfamily Q member 3; minus strand). Cytogenetic location: 8q24.22.
Variant type: single nucleotide variant.
Coding change: c.32C>T on transcript NM_004519.4 (MANE Select); coding-DNA position 32, C replaced by T.
Protein change: p.Ala11Val; replaces alanine 11 with valine.
Molecular consequence: missense variant.
Genome position (GRCh38, 1-based): chr8:132,480,501, G>A on the plus strand (C>T on the coding strand, the complement: KCNQ3 is on the minus strand). VCF-style: chr8-132480501-G-A. GRCh37 (hg19) VCF-style: chr8-133492748-G-A.
Other names: short protein forms A11V.
Identifiers: ClinVar variation 840823 (VCV000840823.9), dbSNP rs1822534206, ClinGen allele CA372293029.